The following is an entry in ClinVar:

NM_001029883.3(PCARE):c.556C>A (p.Gln186Lys)

Gene: PCARE (photoreceptor cilium actin regulator; minus strand). Cytogenetic location: 2p23.2.
Variant type: single nucleotide variant.
Coding change: c.556C>A on transcript NM_001029883.3 (MANE Select); coding-DNA position 556, C replaced by A.
Protein change: p.Gln186Lys; replaces glutamine 186 with lysine.
Molecular consequence: missense variant.
Genome position (GRCh38, 1-based): chr2:29,073,706, G>T on the plus strand (C>A on the coding strand, the complement: PCARE is on the minus strand). VCF-style: chr2-29073706-G-T. GRCh37 (hg19) VCF-style: chr2-29296572-G-T.
Other names: c.556C>A (NM_001029883.2); short protein forms Q186K.
Identifiers: ClinVar variation 1423455 (VCV001423455.8), dbSNP rs267606691, ClinGen allele CA1592631.
Genomic context (GRCh38, chr2:29,073,706, plus strand): 5'-GGATGATGCACAGAATTGCTTCATATTTGGAGAGGCTGGAGTGTAGATAGGTGTAAGCCT[G>T]CTGGTGGGCCTTTACCAGAGGCTCCGGGAAGTCCACTTTGCCTTCAGGCTCATGAGCAGG-3'
Protein context (NP_001025054.1, residues 176-196): FPEPLVKAHQ[Gln186Lys]AYTYLHSSLS

ClinVar aggregate classification (germline): Conflicting classifications of pathogenicity. Review status: criteria provided, conflicting classifications (1 of 4 stars). 3 submissions from 3 submitters: Uncertain significance (1); Likely benign (1). 1 of the submissions does not count toward it. Last evaluated 2024-12-03.

Conditions:
PCARE-related disorder. Also called: PCARE-related condition.

Allele frequency attached by ClinVar (database versions not stated): ESP Exome Variant Server 0.00008.
gnomAD v4.1: 59 of 1,613,618 alleles (0.0037%); highest among the groups gnomAD compares: African/African-American, 0.071%; no homozygotes.

Submissions (3):

Labcorp Genetics (formerly Invitae), Labcorp
Classification: Uncertain significance. Last evaluated: 2024-12-03. Review status: criteria provided, single submitter. Criteria: Invitae Variant Classification Sherloc (09022015). Collection method: clinical testing. Allele origin: germline.
Comment: This sequence change replaces glutamine, which is neutral and polar, with lysine, which is basic and polar, at codon 186 of the PCARE protein (p.Gln186Lys). This variant is present in population databases (rs267606691, gnomAD 0.08%). This variant has not been reported in the literature in individuals affected with PCARE-related conditions. ClinVar contains an entry for this variant (Variation ID: 1423455). An algorithm developed to predict the effect of missense changes on protein structure and function (PolyPhen-2) suggests that this variant¬†is likely to be tolerated. In summary, the available evidence is currently insufficient to determine the role of this variant in disease. Therefore, it has been classified as a Variant of Uncertain Significance.

Blueprint Genetics
Classification: Likely benign. Last evaluated: 2023-10-30. Review status: criteria provided, single submitter. Criteria: ACMG Guidelines, 2015. Collection method: clinical testing. Allele origin: germline.

PreventionGenetics, part of Exact Sciences
Classification: Uncertain significance for PCARE-related condition. Last evaluated: 2024-09-03. Review status: no assertion criteria provided. Collection method: clinical testing. Allele origin: germline. Not counted in ClinVar's aggregate classification.
Comment: The PCARE c.556C>A variant is predicted to result in the amino acid substitution p.Gln186Lys. To our knowledge, this variant has not been reported in the literature. This variant is reported in 0.079% of alleles in individuals of African descent in gnomAD. Although we suspect this variant may be benign, at this time, the clinical significance of this variant is uncertain due to the absence of conclusive functional and genetic evidence.